The following is an entry in ClinVar:

NM_000535.7(PMS2):c.354-18_354-15dup

Gene: PMS2 (PMS1 homolog 2, mismatch repair system component; minus strand). Cytogenetic location: 7p22.1.
Variant type: Duplication.
Coding change: c.354-18_354-15dup on transcript NM_000535.7 (MANE Select); 18 bases into the intron before coding-DNA position 354 through 15 bases into the intron before coding-DNA position 354, 4 bases duplicated (CCTG; older notation c.354-18_354-15dupCCTG).
Molecular consequence: intron variant. On other transcripts: frameshift variant (1).
Genome position (GRCh38, 1-based): chr7:6,002,651-6,002,654, CAGG duplicated on the plus strand (CCTG on the coding strand, the reverse complement: PMS2 is on the minus strand); duplicating any 4 consecutive bases within chr7:6,002,651-6,002,656 gives the same sequence; the c. name uses the placement nearest the transcript's 3' end. VCF-style (leftmost placement, unchanged base first): chr7-6002650-C-CCAGG. GRCh37 (hg19) VCF-style: chr7-6042281-C-CCAGG.
Other names: c.27_30dup, p.Val11fs (NM_001322015.2); c.36-18_36-15dup (NM_001322008.2, NM_001322007.2); c.-52-18_-52-15dup (NM_001322010.2, NM_001322004.2, NM_001322013.2 and 3 more transcripts); c.-531-18_-531-15dup (NM_001322012.2, NM_001322011.2); c.354-18_354-15dup (NM_001322006.2, NM_001322014.2); short protein forms V11fs.
Identifiers: ClinVar variation 920857 (VCV000920857.4), dbSNP rs1785237115, ClinGen allele CA913188249.

ClinVar aggregate classification (germline): Benign/Likely benign. Review status: criteria provided, multiple submitters, no conflicts (2 of 4 stars). 3 submissions from 3 submitters: Benign (1); Likely benign (2). Last evaluated 2025-07-17.

Conditions:
Lynch syndrome 4 (LYNCH4). Also called: Colorectal cancer, hereditary nonpolyposis, type 4; Hereditary non-polyposis colorectal cancer, type 4. Identifiers: Orphanet 144, MedGen C1838333, MONDO:0013699, OMIM 614337. Disease mechanism: loss of function.
Hereditary nonpolyposis colorectal neoplasms. Identifiers: MedGen C0009405, MeSH D003123.
Hereditary cancer-predisposing syndrome. Also called: Neoplastic Syndromes, Hereditary; Tumor predisposition; Hereditary Cancer Syndrome; Hereditary neoplastic syndrome. Identifiers: Orphanet 140162, MedGen C0027672, MeSH D009386, MONDO:0015356.

Submissions (3):

Labcorp Genetics (formerly Invitae), Labcorp
Classification: Likely benign for Hereditary nonpolyposis colorectal neoplasms. Last evaluated: 2025-07-17. Review status: criteria provided, single submitter. Criteria: Invitae Variant Classification Sherloc (09022015). Collection method: clinical testing. Allele origin: germline.

Myriad Genetics, Inc.
Classification: Benign for Lynch syndrome 4. Last evaluated: 2025-01-24. Review status: criteria provided, single submitter. Criteria: Myriad Autosomal Dominant, Autosomal Recessive and X-Linked Classification Criteria (2023). Collection method: clinical testing. Allele origin: unknown.
Comment: This variant is considered benign. This variant is intronic and is not expected to impact mRNA splicing.

Color Diagnostics, LLC DBA Color Health
Classification: Likely benign for Hereditary cancer-predisposing syndrome. Last evaluated: 2019-02-06. Review status: criteria provided, single submitter. Criteria: ACMG Guidelines, 2015. Collection method: clinical testing. Allele origin: germline.